The following is an entry in ClinVar:

ClinVar aggregate classification (germline): Pathogenic (1 of 4 stars; one submission).

Submission:

ISCA site 14
Classification: Pathogenic. Last evaluated: 2011-08-12. Review status: criteria provided, single submitter. Criteria: Kaminsky et al. (Genet Med. 2011). Collection method: clinical testing. Allele origin: de novo. Affected: yes. Observed: 1 variant allele.
Comment: Copy number variation identified through the course of routine clinical cytogenomic testing in postnatal populations. Clinical assertions have been curated as described in Kaminsky et al. 2011.

GRCh38/hg38 2p16.3(chr2:50710306-51087292)x1

Genes: NRXN1 (neurexin 1; minus strand), NRXN1-DT (NRXN1 divergent transcript; plus strand). Cytogenetic location: 2p16.3.
Variant type: copy number loss.
Change: copy number 1 (one copy instead of two) of chr2:50,710,306-51,087,292 (377.0 kb, GRCh38 coordinates, 1-based), cytogenetic band 2p16.3.
Identifiers: ClinVar variation 60142 (VCV000060142.1).